The following is an entry in ClinVar:

NM_020800.3(IFT80):c.439+1G>A

Genes: TRIM59-IFT80 (TRIM59-IFT80 readthrough (NMD candidate); minus strand), IFT80 (intraflagellar transport 80; minus strand). Cytogenetic location: 3q25.33.
Variant type: single nucleotide variant.
Coding change: c.439+1G>A on transcript NM_020800.3 (MANE Select); the canonical splice donor site of the intron after coding-DNA position 439, G replaced by A.
Molecular consequence: splice donor variant.
Genome position (GRCh38, 1-based): chr3:160,375,811, C>T on the plus strand (G>A on the coding strand, the complement: IFT80 is on the minus strand). VCF-style: chr3-160375811-C-T. GRCh37 (hg19) VCF-style: chr3-160093599-C-T.
Other names: c.28+1G>A (NM_001190241.2, NM_001190242.2).
Identifiers: ClinVar variation 3724099 (VCV003724099.2).

ClinVar aggregate classification (germline): Likely pathogenic (1 of 4 stars; one submission).

Conditions:
Jeune thoracic dystrophy. Also called: Jeune syndrome; Infantile thoracic dystrophy; Thoracic pelvic phalangeal dystrophy; Jeune's syndrome; Chondroectodermal dysplasia-like syndrome; Short-rib thoracic dysplasia. Identifiers: Orphanet 474, MedGen C0265275, MONDO:0018770.

Submission:

Labcorp Genetics (formerly Invitae), Labcorp
Classification: Likely pathogenic for Jeune thoracic dystrophy. Last evaluated: 2024-10-30. Review status: criteria provided, single submitter. Criteria: Invitae Variant Classification Sherloc (09022015). Collection method: clinical testing. Allele origin: germline.
Comment: This sequence change affects a donor splice site in intron 5 of the IFT80 gene. It is expected to disrupt RNA splicing. Variants that disrupt the donor or acceptor splice site typically lead to a loss of protein function (PMID: 16199547), and loss-of-function variants in IFT80 are known to be pathogenic (PMID: 21227999, 23339108, 29068549). This variant is not present in population databases (gnomAD no frequency). This variant has not been reported in the literature in individuals affected with IFT80-related conditions. Algorithms developed to predict the effect of sequence changes on RNA splicing suggest that this variant may disrupt the consensus splice site. In summary, the currently available evidence indicates that the variant is pathogenic, but additional data are needed to prove that conclusively. Therefore, this variant has been classified as Likely Pathogenic.

Literature cited by the submitters: PubMed 16199547; PubMed 21227999; PubMed 23339108; PubMed 29068549.